The following is an entry in ClinVar:

NM_000169.3(GLA):c.1184G>C (p.Gly395Ala)

Genes: GLA (galactosidase alpha; minus strand), RPL36A-HNRNPH2 (RPL36A-HNRNPH2 readthrough; plus strand). Cytogenetic location: Xq22.1.
Variant type: single nucleotide variant.
Coding change: c.1184G>C on transcript NM_000169.3 (MANE Select); coding-DNA position 1184, G replaced by C.
Protein change: p.Gly395Ala; replaces glycine 395 with alanine.
Molecular consequence: missense variant. On other transcripts: non-coding transcript variant (3), intron variant (2).
Genome position (GRCh38, 1-based): chrX:101,397,915, C>G on the plus strand (G>C on the coding strand, the complement: GLA is on the minus strand). VCF-style: chrX-101397915-C-G. GRCh37 (hg19) VCF-style: chrX-100652903-C-G.
Other names: c.1184G>C (NM_000169.2); c.1307G>C, p.Gly436Ala (NM_001406747.1); c.300+2458C>G (NM_001199973.2); c.177+6093C>G (NM_001199974.2); short protein forms G395A, G436A.
Identifiers: ClinVar variation 405511 (VCV000405511.23), dbSNP rs375661583, ClinGen allele CA029729.

ClinVar aggregate classification (germline): Conflicting classifications of pathogenicity. Review status: criteria provided, conflicting classifications (1 of 4 stars). 8 submissions from 8 submitters: Likely pathogenic (3); Uncertain significance (5). Last evaluated 2026-09-08.

Conditions:
Fabry disease. Also called: Angiokeratoma corporis diffusum; ALPHA-GALACTOSIDASE A DEFICIENCY; ANDERSON-FABRY DISEASE; CERAMIDE TRIHEXOSIDASE DEFICIENCY; GLA DEFICIENCY; Fabry's disease. Identifiers: Orphanet 324, MedGen C0002986, MONDO:0010526, OMIM 301500, HP:0001071. Disease mechanism: Fabry disease is due to inactivating mutations in the X-linked GLA gene resulting in deficiency of the enzyme Alpha Galactosidase-A., loss of function.

Allele frequency attached by ClinVar (database versions not stated): ExAC 0.00001; gnomAD exomes 0.00001; TOPMed 0.00003; gnomAD 0.00004; ESP Exome Variant Server 0.00009.
gnomAD v4.1: 16 of 1,208,708 alleles (0.0013%); highest among the groups gnomAD compares: Non-Finnish European, 0.0017%; no homozygotes.

Submissions (8):

Genomenon, Inc
Classification: Likely pathogenic for Fabry disease. Last evaluated: 2026-09-08. Review status: criteria provided, single submitter. Criteria: Genomenon Sequence Variant Interpretation Standards - Updated. Collection method: curation. Allele origin: germline. Affected: yes.
Comment: GLA p.Gly395Ala (c.1184G>C) is a missense variant that changes the amino acid at codon 395 from Glycine to Alanine. This variant has been observed in at least one proband with clinical features consistent with Fabry disease (PMID:26880903;35629291;35971858). Functional or patient cell studies have been reported (PMID:32023956;26880903;31036492;29487688;27657681;23935525). It is absent or not present at a significant frequency in gnomAD. In silico models predict that this variant is possibly or probably damaging. In conclusion, we classify GLA p.Gly395Ala (c.1184G>C) as a likely pathogenic variant.

Labcorp Genetics (formerly Invitae), Labcorp
Classification: Uncertain significance for Fabry disease. Last evaluated: 2025-12-08. Review status: criteria provided, single submitter. Criteria: Invitae Variant Classification Sherloc (09022015). Collection method: clinical testing. Allele origin: germline.
Comment: This sequence change replaces glycine, which is neutral and non-polar, with alanine, which is neutral and non-polar, at codon 395 of the GLA protein (p.Gly395Ala). This variant is present in population databases (rs375661583, gnomAD 0.002%). This missense change has been observed in individuals with clinical features of Fabry disease (PMID: 21896204, 26880903, 27825144, 29487688, 30477121, 35971858). ClinVar contains an entry for this variant (Variation ID: 405511). Invitae Evidence Modeling of protein sequence and biophysical properties (such as structural, functional, and spatial information, amino acid conservation, physicochemical variation, residue mobility, and thermodynamic stability) indicates that this missense variant is not expected to disrupt GLA protein function with a negative predictive value of 80%. Experimental studies have shown that this missense change affects GLA function (PMID: 23935525, 31036492, 32023956). This variant disrupts the p.Gly395 amino acid residue in GLA. Other variant(s) that disrupt this residue have been observed in individuals with GLA-related conditions (PMID: 23826564), which suggests that this may be a clinically significant amino acid residue. In summary, the available evidence is currently insufficient to determine the role of this variant in disease. Therefore, it has been classified as a Variant of Uncertain Significance.

Myriad Genetics, Inc.
Classification: Likely pathogenic for Fabry disease. Last evaluated: 2025-11-24. Review status: criteria provided, single submitter. Criteria: Myriad Autosomal Dominant, Autosomal Recessive and X-Linked Classification Criteria (2023). Collection method: clinical testing. Allele origin: unknown.
Comment: NM_000169.2(GLA):c.1184G>C(G395A) is a missense variant classified as likely pathogenic in the context of Fabry disease. Please note that G395A is associated with the late-onset form of Fabry disease. G395A has been observed in cases with relevant disease (PMID: 35971858, 38593151, 26880903, 29487688, 35629291, 27825144, 30477121). Relevant functional assessments of this variant are available in the literature (32023956, 27657681, 31036492). G395A has been observed in referenced population frequency databases. In summary, NM_000169.2(GLA):c.1184G>C(G395A) is a missense variant that has been observed more frequently in cases with the relevant disease than in healthy populations. Please note: this variant was assessed in the context of healthy population screening.

Color Diagnostics, LLC DBA Color Health
Classification: Uncertain significance for Fabry disease. Last evaluated: 2025-04-01. Review status: criteria provided, single submitter. Criteria: ACMG Guidelines, 2015. Collection method: clinical testing. Allele origin: germline.
Comment: This missense variant replaces glycine with alanine at codon 395 of the GLA protein. Computational prediction suggests that this variant may have a deleterious impact on protein structure and function. Functional studies have shown that this variant leads to a 13-24% level of residual GLA enzyme activity when expressed in HEK293 cells (PMID: 21598360). This variant has been reported in a few individuals and families affected with Fabry disease (PMID: 26880903, 27825144, 29487688, 30477121, 35971858, 36709535), in an individual suspected to be affected with Fabry disease (PMID: 21896204), and in five asymptomatic relatives of the affected carrier individuals (PMID: 29487688, 32806660). This variant has been identified in 2/183463 chromosomes in the general population by the Genome Aggregation Database (gnomAD). The available evidence is insufficient to determine the role of this variant in disease conclusively. Therefore, this variant is classified as a Variant of Uncertain Significance.

Natera, Inc.
Classification: Likely pathogenic for Fabry disease. Last evaluated: 2024-08-04. Review status: criteria provided, single submitter. Criteria: Natera Variant Classification Schema (03/2026). Collection method: clinical testing. Allele origin: germline.
Comment: The c.1184G>C variant in GLA is a missense variant predicted to cause substitution of glycine to alanine at amino acid 395. This variant is rare in the general population with a frequency below the threshold expected for the associated phenotype(s). This variant has been observed in affected individual(s) with monoallelic occurrence (heterozygous/hemizygous) (PMID: 26880903). Functional studies show that this variant may disrupt protein function (PMID: 31036492). Computational prediction algorithms indicate this variant is likely to affect gene or protein function. Given the available evidence, this variant is classified as Likely Pathogenic.

All of Us Research Program, National Institutes of Health
Classification: Uncertain significance for Fabry disease. Last evaluated: 2023-12-13. Review status: criteria provided, single submitter. Criteria: ACMG Guidelines, 2015. Collection method: clinical testing. Allele origin: germline. Inheritance: X-linked inheritance. Observed: 5 variant alleles, 3 heterozygotes, 1 homozygote, 1 hemizygote.
Comment: This missense variant replaces glycine with alanine at codon 395 of the GLA protein. Computational prediction suggests that this variant may have a deleterious impact on protein structure and function (internally defined REVEL score threshold >= 0.7, PMID: 27666373). Functional studies have shown that this variant leads to a 13-24% level of residual GLA enzyme activity when expressed in HEK293 cells (PMID: 21598360). This variant has been reported in a few individuals and families affected with Fabry disease (PMID: 26880903, 27825144, 29487688, 30477121, 35971858, 36709535), in an individual suspected of having Fabry disease (PMID: 21896204), and in five asymptomatic relatives of the affected carriers (PMID: 29487688, 32806660). This variant has been identified in 2/183463 chromosomes in the general population by the Genome Aggregation Database (gnomAD). The available evidence is insufficient to determine the role of this variant in disease conclusively. Therefore, this variant is classified as a Variant of Uncertain Significance.

This study involves interpretation of variants in research participants for the purpose of population health screening. Participant phenotype was not available at the time of variant classification. Additional details can be found in publication PMID: 35346344, PMCID: PMC8962531

Revvity Omics, Revvity
Classification: Uncertain significance. Last evaluated: 2023-02-27. Review status: criteria provided, single submitter. Criteria: ACMG Guidelines, 2015. Collection method: clinical testing. Allele origin: germline.

Broad Center for Mendelian Genomics, Broad Institute of MIT and Harvard
Classification: Uncertain significance for Fabry disease. Last evaluated: 2020-01-22. Review status: criteria provided, single submitter. Criteria: ACMG Guidelines, 2015. Collection method: curation. Allele origin: germline. Inheritance: X-linked inheritance.
Comment: The p.Gly395Ala variant in GLA has been reported in up to 10 Southern Italian families with Fabry disease (PMID: 21896204, 29487688, 27825144), and has been identified in 0.0024% (2/81904) of European (non-Finnish) chromosomes by the Genome Aggregation Database (gnomAD; dbSNP rs375661583). Although this variant has been seen in the general population, its frequency is low enough to be consistent with Fabry Disease. Please note that for diseases with clinical variability, or reduced penetrance, pathogenic variants may be present at a low frequency in the general population. The number of reported affected individuals with this variant is slightly greater than expected compared to non-affected individuals with this variant. This variant has also been reported in ClinVar as a VUS by Invitae (ID: 405511). In vitro functional studies provide some evidence that the p.Gly395Ala variant may slightly impact protein function through decreased enzyme function (PMID: 23935525). However, these types of assays may not accurately represent biological function. Computational prediction tools and conservation analyses suggest that this variant may impact the protein, though this information is not predictive enough to determine pathogenicity. The phenotype of an individual hemizygous for this variant is highly specific for Fabry disease based on the classic phenotype that is consistent with disease (PMID: 21896204, 29487688, 27825144). In summary, while there is some suspicion for a pathogenic role, the clinical significance of this variant is uncertain. ACMG/AMP Criteria applied: PP4, PM2_supporting, PP3, PS4_supporting, PS3_supporting (Richards 2015).

X-linked inheritance (primarily recessive with milder female expression)

Literature cited by the submitters: PubMed 26880903 (cited by 6 submitters); PubMed 35629291 (cited by Genomenon, Inc and Myriad Genetics, Inc.); PubMed 35971858 (cited by 5 submitters); PubMed 32023956 (cited by Genomenon, Inc and Labcorp Genetics (formerly Invitae), Labcorp); PubMed 31036492 (cited by 3 submitters); PubMed 29487688 (cited by 6 submitters); PubMed 27657681 (cited by Genomenon, Inc); PubMed 23935525 (cited by Genomenon, Inc and Labcorp Genetics (formerly Invitae), Labcorp); PubMed 21896204 (cited by 4 submitters); PubMed 27825144 (cited by 5 submitters); PubMed 30477121 (cited by 4 submitters); PubMed 23826564 (cited by Labcorp Genetics (formerly Invitae), Labcorp); PubMed 38593151 (cited by Myriad Genetics, Inc.); PubMed 21598360 (cited by Color Diagnostics, LLC DBA Color Health and All of Us Research Program, National Institutes of Health); PubMed 32806660 (cited by Color Diagnostics, LLC DBA Color Health and All of Us Research Program, National Institutes of Health); PubMed 36709535 (cited by Color Diagnostics, LLC DBA Color Health and All of Us Research Program, National Institutes of Health).